The following is an entry in ClinVar:

ClinVar aggregate classification (germline): Conflicting classifications of pathogenicity. Review status: criteria provided, conflicting classifications (1 of 4 stars). 4 submissions from 4 submitters: Uncertain significance (3); Benign (1). Last evaluated 2025-06-16.

Conditions:
Cardiovascular phenotype. Identifiers: MedGen CN230736.
Hereditary cancer-predisposing syndrome. Also called: Neoplastic Syndromes, Hereditary; Tumor predisposition; Hereditary neoplastic syndrome; Hereditary Cancer Syndrome. Identifiers: Orphanet 140162, MedGen C0027672, MeSH D009386, MONDO:0015356.
Neurofibromatosis, type 1 (NF1). Also called: VON RECKLINGHAUSEN DISEASE; NEUROFIBROMATOSIS, TYPE I, SOMATIC; Peripheral type neurofibromatosis; Neurofibromatosis, type I. Identifiers: Orphanet 636, MedGen C0027831, MONDO:0018975, OMIM 162200. Disease mechanism: loss of function.
Juvenile myelomonocytic leukemia (JMML). Also called: LEUKEMIA, JUVENILE MYELOMONOCYTIC, SOMATIC. Identifiers: Orphanet 86834, MedGen C0349639, MONDO:0011908, OMIM 607785, HP:0012209.
Café-au-lait macules with pulmonary stenosis (WTSN). Also called: PULMONIC STENOSIS WITH CAFE-AU-LAIT SPOTS. Identifiers: MedGen C0553586, MONDO:0008672, OMIM 193520.
Neurofibromatosis-Noonan syndrome (NFNS). Also called: NEUROFIBROMATOSIS WITH NOONAN PHENOTYPE. Identifiers: Orphanet 638, MedGen C2931482, MONDO:0011035, OMIM 601321. Disease mechanism: loss of function.
Neurofibromatosis, familial spinal (FSNF). Identifiers: Orphanet 636, MedGen C1834235, MONDO:0008078, OMIM 162210. Disease mechanism: loss of function.

Allele frequency attached by ClinVar (database versions not stated): gnomAD 0.00001; TOPMed 0.00001.
gnomAD v4.1: 6 of 1,613,874 alleles (0.00037%); highest among the groups gnomAD compares: Non-Finnish European, 0.00051%; no homozygotes.

Submissions (4):

Labcorp Genetics (formerly Invitae), Labcorp
Classification: Benign for Neurofibromatosis, type 1. Last evaluated: 2025-06-16. Review status: criteria provided, single submitter. Criteria: Invitae Variant Classification Sherloc (09022015). Collection method: clinical testing. Allele origin: germline.

Ambry Genetics
Classification: Uncertain significance for Cardiovascular phenotype; Hereditary cancer-predisposing syndrome. Last evaluated: 2024-12-29. Review status: criteria provided, single submitter. Criteria: Ambry Variant Classification Scheme 2023. Collection method: clinical testing. Allele origin: germline.
Comment: The p.Q282R variant (also known as c.845A>G), located in coding exon 8 of the NF1 gene, results from an A to G substitution at nucleotide position 845. The glutamine at codon 282 is replaced by arginine, an amino acid with highly similar properties. This amino acid position is well conserved in available vertebrate species. In addition, the in silico prediction for this alteration is inconclusive. Since supporting evidence is limited at this time, the clinical significance of this alteration remains unclear.

Genome-Nilou Lab
Classification: Uncertain significance for Neurofibromatosis, type 1. Last evaluated: 2022-03-15. Review status: criteria provided, single submitter. Criteria: ACMG Guidelines, 2015. Collection method: clinical testing. Allele origin: germline. Affected: no.

Fulgent Genetics
Classification: Uncertain significance for Neurofibromatosis, type 1; Neurofibromatosis, familial spinal; Café-au-lait macules with pulmonary stenosis; Neurofibromatosis-Noonan syndrome; Juvenile myelomonocytic leukemia. Last evaluated: 2018-10-31. Review status: criteria provided, single submitter. Criteria: ACMG Guidelines, 2015. Collection method: clinical testing. Allele origin: unknown.

NM_001042492.3(NF1):c.845A>G (p.Gln282Arg)

Gene: NF1 (neurofibromin 1; plus strand). Cytogenetic location: 17q11.2.
Variant type: single nucleotide variant.
Coding change: c.845A>G on transcript NM_001042492.3 (MANE Select); coding-DNA position 845, A replaced by G.
Protein change: p.Gln282Arg; replaces glutamine 282 with arginine.
Molecular consequence: missense variant.
Genome position (GRCh38, 1-based): chr17:31,182,622, A>G. VCF-style: chr17-31182622-A-G. GRCh37 (hg19) VCF-style: chr17-29509640-A-G.
Other names: c.845A>G, p.Gln282Arg (NM_000267.4, NM_001128147.3); short protein forms Q282R.
Identifiers: ClinVar variation 527438 (VCV000527438.15), dbSNP rs779034900, ClinGen allele CA289335196.